The following is an entry in ClinVar:

ClinVar aggregate classification (germline): Uncertain significance. Review status: criteria provided, multiple submitters, no conflicts (2 of 4 stars). 4 submissions from 4 submitters: Uncertain significance (4). Last evaluated 2025-11-06.

Conditions:
Hereditary cancer-predisposing syndrome. Also called: Hereditary Cancer Syndrome; Hereditary neoplastic syndrome; Neoplastic Syndromes, Hereditary; Tumor predisposition. Identifiers: Orphanet 140162, MedGen C0027672, MeSH D009386, MONDO:0015356.
Ataxia-telangiectasia syndrome (AT). Also called: LOUIS-BAR SYNDROME; Cerebello-oculocutaneous telangiectasia; Immunodeficiency with ataxia telangiectasia; Ataxia-telangiectasia, complementation group D; AT, COMPLEMENTATION GROUP C; ATAXIA-TELANGIECTASIA, COMPLEMENTATION GROUP A. Identifiers: Orphanet 100, MedGen C0004135, MONDO:0008840, OMIM 208900.
Familial cancer of breast. Also called: BREAST CANCER, FAMILIAL; hereditary breast carcinoma; Hereditary breast cancer. Identifiers: Orphanet 227535, MedGen C0346153, MONDO:0016419, OMIM 114480. Disease mechanism: loss of function.

gnomAD v4.1: 1 of 1,612,364 alleles (0.000062%); highest among the groups gnomAD compares: African/African-American, 0.0013%; no homozygotes.

Submissions (4):

Labcorp Genetics (formerly Invitae), Labcorp
Classification: Uncertain significance for Ataxia-telangiectasia syndrome. Last evaluated: 2025-11-06. Review status: criteria provided, single submitter. Criteria: Invitae Variant Classification Sherloc (09022015). Collection method: clinical testing. Allele origin: germline.
Comment: This sequence change replaces glycine, which is neutral and non-polar, with valine, which is neutral and non-polar, at codon 134 of the ATM protein (p.Gly134Val). This variant is not present in population databases (gnomAD no frequency). This variant has not been reported in the literature in individuals affected with ATM-related conditions. ClinVar contains an entry for this variant (Variation ID: 1331764). Invitae Evidence Modeling of protein sequence and biophysical properties (such as structural, functional, and spatial information, amino acid conservation, physicochemical variation, residue mobility, and thermodynamic stability) indicates that this missense variant is not expected to disrupt ATM protein function with a negative predictive value of 95%. In summary, the available evidence is currently insufficient to determine the role of this variant in disease. Therefore, it has been classified as a Variant of Uncertain Significance.

Ambry Genetics
Classification: Uncertain significance for Hereditary cancer-predisposing syndrome. Last evaluated: 2025-03-07. Review status: criteria provided, single submitter. Criteria: Ambry Variant Classification Scheme 2023. Collection method: clinical testing. Allele origin: germline.
Comment: The p.G134V variant (also known as c.401G>T), located in coding exon 4 of the ATM gene, results from a G to T substitution at nucleotide position 401. The glycine at codon 134 is replaced by valine, an amino acid with dissimilar properties. This amino acid position is not well conserved in available vertebrate species. In addition, this alteration is predicted to be tolerated by in silico analysis. Based on the available evidence, the clinical significance of this variant remains unclear.

Fulgent Genetics
Classification: Uncertain significance for Familial cancer of breast; Ataxia-telangiectasia syndrome. Last evaluated: 2024-03-24. Review status: criteria provided, single submitter. Criteria: ACMG Guidelines, 2015. Collection method: clinical testing. Allele origin: germline.

Color Diagnostics, LLC DBA Color Health
Classification: Uncertain significance for Hereditary cancer-predisposing syndrome. Last evaluated: 2021-04-20. Review status: criteria provided, single submitter. Criteria: ACMG Guidelines, 2015. Collection method: clinical testing. Allele origin: germline.
Comment: This missense variant replaces glycine with valine at codon 134 of the ATM protein. Computational prediction suggests that this variant may not impact protein structure and function (internally defined REVEL score threshold <= 0.5, PMID: 27666373). To our knowledge, functional studies have not been reported for this variant. This variant has not been reported in individuals affected with hereditary cancer in the literature. This variant has not been identified in the general population by the Genome Aggregation Database (gnomAD). The available evidence is insufficient to determine the role of this variant in disease conclusively. Therefore, this variant is classified as a Variant of Uncertain Significance.

NM_000051.4(ATM):c.401G>T (p.Gly134Val)

Gene: ATM (ATM serine/threonine kinase; plus strand). Cytogenetic location: 11q22.3.
Variant type: single nucleotide variant.
Coding change: c.401G>T on transcript NM_000051.4 (MANE Select); coding-DNA position 401, G replaced by T.
Protein change: p.Gly134Val; replaces glycine 134 with valine.
Molecular consequence: missense variant.
Genome position (GRCh38, 1-based): chr11:108,235,739, G>T. VCF-style: chr11-108235739-G-T. GRCh37 (hg19) VCF-style: chr11-108106466-G-T.
Other names: c.401G>T, p.Gly134Val (NM_001351834.2); short protein forms G134V.
Identifiers: ClinVar variation 1331764 (VCV001331764.14), dbSNP rs771166271, ClinGen allele CA382524967.